The following is an entry in ClinVar:

ClinVar aggregate classification (germline): Conflicting classifications of pathogenicity. Review status: criteria provided, conflicting classifications (1 of 4 stars). 2 submissions from 2 submitters: Uncertain significance (1); Likely benign (1). Last evaluated 2024-04-04.

Allele frequency attached by ClinVar (database versions not stated): ExAC 0.00001; gnomAD exomes 0.00001 and 0.00002; TOPMed 0.00002; gnomAD 0.00003 and 0.00004.
gnomAD v4.1: 17 of 1,613,412 alleles (0.0011%); highest among the groups gnomAD compares: Non-Finnish European, 0.0014%; no homozygotes.

Submissions (2):

GeneDx
Classification: Uncertain significance. Last evaluated: 2024-04-04. Review status: criteria provided, single submitter. Criteria: GeneDx Variant Classification Process June 2021. Collection method: clinical testing. Allele origin: germline. Affected: yes.
Comment: Has not been previously published as pathogenic or benign to our knowledge; In silico analysis indicates that this missense variant does not alter protein structure/function; Not located in the triple helical region, where the majority of pathogenic missense variants occur (PMID: 25240749); This variant is associated with the following publications: (PMID: 25240749)

Labcorp Genetics (formerly Invitae), Labcorp
Classification: Likely benign. Last evaluated: 2023-05-22. Review status: criteria provided, single submitter. Criteria: Invitae Variant Classification Sherloc (09022015). Collection method: clinical testing. Allele origin: germline.

NM_001854.4(COL11A1):c.5414T>A (p.Leu1805His)

Gene: COL11A1 (collagen type XI alpha 1 chain; minus strand). Cytogenetic location: 1p21.1.
Variant type: single nucleotide variant.
Coding change: c.5414T>A on transcript NM_001854.4 (MANE Select); coding-DNA position 5414, T replaced by A.
Protein change: p.Leu1805His; replaces leucine 1805 with histidine.
Molecular consequence: missense variant. On other transcripts: non-coding transcript variant (1).
Genome position (GRCh38, 1-based): chr1:102,878,026, A>T on the plus strand (T>A on the coding strand, the complement: COL11A1 is on the minus strand). VCF-style: chr1-102878026-A-T. GRCh37 (hg19) VCF-style: chr1-103343582-A-T.
Other names: c.5297T>A, p.Leu1766His (NM_001190709.2); c.5450T>A, p.Leu1817His (NM_080629.3); c.5066T>A, p.Leu1689His (NM_080630.4); c.5414T>A (NM_001854.3); short protein forms L1817H, L1805H, L1689H, L1766H.
Identifiers: ClinVar variation 1401053 (VCV001401053.8), dbSNP rs779088327, ClinGen allele CA973244.
Genomic context (GRCh38, chr1:102,878,026, plus strand): 5'-TGGTGGCACCAAGGTATATTTTCTGTTGATTTGATATGTTCTTTGTCTTAATCTTAGCCA[A>T]GAAAACAAACAGGACCAACTTCAAATCCGAACTTCTGATTCTGATCACCAAAGTCATTGA-3'
Protein context (NP_001845.3, residues 1795-1806): FGFEVGPVCF[Leu1805His]G